The following is an entry in ClinVar:

NM_144997.7(FLCN):c.1177A>G (p.Thr393Ala)

Gene: FLCN (folliculin; minus strand). Cytogenetic location: 17p11.2.
Variant type: single nucleotide variant.
Coding change: c.1177A>G on transcript NM_144997.7 (MANE Select); coding-DNA position 1177, A replaced by G.
Protein change: p.Thr393Ala; replaces threonine 393 with alanine.
Molecular consequence: missense variant.
Genome position (GRCh38, 1-based): chr17:17,216,503, T>C on the plus strand (A>G on the coding strand, the complement: FLCN is on the minus strand). VCF-style: chr17-17216503-T-C. GRCh37 (hg19) VCF-style: chr17-17119817-T-C.
Other names: c.1177A>G (NM_144997.5); c.1231A>G, p.Thr411Ala (NM_001353229.2); c.1177A>G, p.Thr393Ala (NM_001353230.2, NM_001353231.2); short protein forms T411A, T393A.
Identifiers: ClinVar variation 1487995 (VCV001487995.7), dbSNP rs2144860404, ClinGen allele CA398532030.
Genomic context (GRCh38, chr17:17,216,503, plus strand): 5'-AGGCCTCCTCGTACTGGCTGCTGTATGGGATGATGCGGACGCAGCCCACGGGAAGCATGG[T>C]CTGAGGAGGACAGCAGGACTCAGACCAAGGACACGAGGAAGCCCTCAGCCCCGGCCATCC-3'
Protein context (NP_659434.2, residues 383-403): LVQSAFEVLR[Thr393Ala]MLPVGCVRII

ClinVar aggregate classification (germline): Uncertain significance. Review status: criteria provided, multiple submitters, no conflicts (2 of 4 stars). 2 submissions from 2 submitters: Uncertain significance (2). Last evaluated 2026-01-12.

Conditions:
Hereditary cancer-predisposing syndrome. Also called: Neoplastic Syndromes, Hereditary; Tumor predisposition; Hereditary neoplastic syndrome; Hereditary Cancer Syndrome. Identifiers: Orphanet 140162, MedGen C0027672, MeSH D009386, MONDO:0015356.
Birt-Hogg-Dube syndrome. Also called: Birt Hogg Dubé syndrome. Identifiers: Orphanet 122, MedGen C0346010, MONDO:0800444.

Submissions (2):

Labcorp Genetics (formerly Invitae), Labcorp
Classification: Uncertain significance for Birt-Hogg-Dube syndrome. Last evaluated: 2026-01-12. Review status: criteria provided, single submitter. Criteria: Invitae Variant Classification Sherloc (09022015). Collection method: clinical testing. Allele origin: germline.
Comment: This sequence change replaces threonine, which is neutral and polar, with alanine, which is neutral and non-polar, at codon 393 of the FLCN protein (p.Thr393Ala). This variant is not present in population databases (gnomAD no frequency). This variant has not been reported in the literature in individuals affected with FLCN-related conditions. ClinVar contains an entry for this variant (Variation ID: 1487995). An algorithm developed to predict the effect of missense changes on protein structure and function (PolyPhen-2) suggests that this variant is likely to be tolerated. In summary, the available evidence is currently insufficient to determine the role of this variant in disease. Therefore, it has been classified as a Variant of Uncertain Significance.

Ambry Genetics
Classification: Uncertain significance for Hereditary cancer-predisposing syndrome. Last evaluated: 2024-12-08. Review status: criteria provided, single submitter. Criteria: Ambry Variant Classification Scheme 2023. Collection method: clinical testing. Allele origin: germline.
Comment: The p.T393A variant (also known as c.1177A>G) is located in coding exon 8 of the FLCN gene. The threonine at codon 393 is replaced by alanine, an amino acid with similar properties. This change occurs in the first base pair of coding exon 8. This amino acid position is conserved. In addition, this alteration is predicted to be tolerated by in silico analysis. Based on the available evidence, the clinical significance of this variant remains unclear.